The following is an entry in ClinVar:

ClinVar aggregate classification (germline): Uncertain significance (1 of 4 stars; one submission).

Conditions:
X-linked Alport syndrome (ATS1). Also called: NEPHROPATHY AND DEAFNESS, X-LINKED; COL4A5-Related Nephropathy. Identifiers: Orphanet 63, Orphanet 88917, MedGen C4746986, MONDO:0010520, OMIM 301050.

Submission:

Myriad Genetics, Inc.
Classification: Uncertain significance for X-linked Alport syndrome. Last evaluated: 2026-01-29. Review status: criteria provided, single submitter. Criteria: Myriad Autosomal Dominant, Autosomal Recessive and X-Linked Classification Criteria (2023). Collection method: clinical testing. Allele origin: unknown.
Comment: NM_000495.4(COL4A5):c.4235G>C(G1412A) is a missense variant classified as a variant of uncertain significance in the context of X-linked Alport syndrome. G1412A has not been observed in cases with relevant disease. Relevant functional assessments of this variant are not available in the literature. G1412A has not been observed in referenced population frequency databases. In summary, there is insufficient evidence to classify NM_000495.4(COL4A5):c.4235G>C(G1412A) as pathogenic or benign. Please note: this variant was assessed in the context of healthy population screening.

NM_033380.3(COL4A5):c.4253G>C (p.Gly1418Ala)

Gene: COL4A5 (collagen type IV alpha 5 chain; plus strand). Cytogenetic location: Xq22.3.
Variant type: single nucleotide variant.
Coding change: c.4253G>C on transcript NM_033380.3 (MANE Select); coding-DNA position 4253, G replaced by C.
Protein change: p.Gly1418Ala; replaces glycine 1418 with alanine.
Molecular consequence: missense variant.
Genome position (GRCh38, 1-based): chrX:108,686,067, G>C. VCF-style: chrX-108686067-G-C. GRCh37 (hg19) VCF-style: chrX-107929297-G-C.
Other names: c.4235G>C, p.Gly1412Ala (NM_000495.5); short protein forms G1412A, G1418A.
Identifiers: ClinVar variation 5004436 (VCV005004436.1).